The following is an entry in ClinVar:

ClinVar aggregate classification (germline): Uncertain significance (1 of 4 stars; one submission).

gnomAD v4.1: 21 of 1,613,796 alleles (0.0013%); highest among the groups gnomAD compares: South Asian, 0.0022%; no homozygotes.

Submission:

Labcorp Genetics (formerly Invitae), Labcorp
Classification: Uncertain significance. Last evaluated: 2025-02-03. Review status: criteria provided, single submitter. Criteria: Invitae Variant Classification Sherloc (09022015). Collection method: clinical testing. Allele origin: germline.
Comment: This sequence change replaces arginine, which is basic and polar, with histidine, which is basic and polar, at codon 623 of the VAC14 protein (p.Arg623His). This variant is present in population databases (rs567126350, gnomAD 0.004%). This missense change has been observed in individual(s) with VAC14-related conditions (PMID: 32949958). Invitae Evidence Modeling of protein sequence and biophysical properties (such as structural, functional, and spatial information, amino acid conservation, physicochemical variation, residue mobility, and thermodynamic stability) indicates that this missense variant is not expected to disrupt VAC14 protein function with a negative predictive value of 80%. In summary, the available evidence is currently insufficient to determine the role of this variant in disease. Therefore, it has been classified as a Variant of Uncertain Significance.

Literature cited by the submitters: PubMed 32949958.

NM_018052.5(VAC14):c.1868G>A (p.Arg623His)

Gene: VAC14 (VAC14 component of PIKFYVE complex; minus strand). Cytogenetic location: 16q22.1.
Variant type: single nucleotide variant.
Coding change: c.1868G>A on transcript NM_018052.5 (MANE Select); coding-DNA position 1868, G replaced by A.
Protein change: p.Arg623His; replaces arginine 623 with histidine.
Molecular consequence: missense variant.
Genome position (GRCh38, 1-based): chr16:70,697,226, C>T on the plus strand (G>A on the coding strand, the complement: VAC14 is on the minus strand). VCF-style: chr16-70697226-C-T. GRCh37 (hg19) VCF-style: chr16-70731129-C-T.
Other names: c.1166G>A, p.Arg389His (NM_001351157.2); short protein forms R389H, R623H.
Identifiers: ClinVar variation 3688255 (VCV003688255.2).